The following is an entry in ClinVar:

ClinVar aggregate classification (germline): Conflicting classifications of pathogenicity. Review status: criteria provided, conflicting classifications (1 of 4 stars). 2 submissions from 2 submitters: Likely pathogenic (1); Uncertain significance (1). Last evaluated 2023-04-17.

Conditions:
Stickler syndrome type 2 (STL2). Also called: STICKLER SYNDROME, TYPE II; STICKLER SYNDROME, BEADED VITREOUS TYPE; STICKLER SYNDROME, VITREOUS TYPE 2; COL11A1-Related Stickler Syndrome. Identifiers: Orphanet 828, Orphanet 90654, MedGen C1858084, MONDO:0011493, OMIM 604841.
COL11A1-related disorder. Also called: COL11A1-related condition; COL11A1-related disorders.

Submissions (2):

PreventionGenetics, part of Exact Sciences
Classification: Likely pathogenic for COL11A1-related condition. Last evaluated: 2023-04-17. Review status: criteria provided, single submitter. Criteria: ACMG Guidelines, 2015. Collection method: clinical testing. Allele origin: germline.
Comment: The COL11A1 c.1676G>A variant is predicted to result in the amino acid substitution p.Gly559Asp. To our knowledge, this variant has not been reported in the literature or in a large population database, indicating this variant is rare. This variant affects a Gly residue of the conserved triple helical domain (amino acid residues 529-1542), where substitutions of glycine are usually pathogenic (Richards et al. 2010. PubMed ID: 20513134). Other nearby Gly substitutions (p.Gly535Cys and p.Gly565Val) have been reported in individuals with autosomal dominant Stickler syndrome (Acke et a. 2014. PubMed ID: 25240749; Richards et al. 2010. PubMed ID: 20513134). Given the evidence, we interpret c.1676G>A (p.Gly559Asp) as likely pathogenic.

MGZ Medical Genetics Center
Classification: Uncertain significance for Stickler syndrome type 2. Last evaluated: 2022-03-02. Review status: criteria provided, single submitter. Criteria: ACMG Guidelines, 2015. Collection method: clinical testing. Allele origin: germline. Affected: yes. Observed: 1 variant allele.
Comment: ACMG criteria applied: PM2_SUP, PP3

NM_001854.4(COL11A1):c.1676G>A (p.Gly559Asp)

Gene: COL11A1 (collagen type XI alpha 1 chain; minus strand). Cytogenetic location: 1p21.1.
Variant type: single nucleotide variant.
Coding change: c.1676G>A on transcript NM_001854.4 (MANE Select); coding-DNA position 1676, G replaced by A.
Protein change: p.Gly559Asp; replaces glycine 559 with aspartic acid.
Molecular consequence: missense variant. On other transcripts: non-coding transcript variant (1).
Genome position (GRCh38, 1-based): chr1:103,008,470, C>T on the plus strand (G>A on the coding strand, the complement: COL11A1 is on the minus strand). VCF-style: chr1-103008470-C-T. GRCh37 (hg19) VCF-style: chr1-103474026-C-T.
Other names: c.1676G>A (NM_001854.3); c.1328G>A, p.Gly443Asp (NM_001168249.1, NM_080630.4); c.1559G>A, p.Gly520Asp (NM_001190709.2); c.1712G>A, p.Gly571Asp (NM_080629.3); short protein forms G443D, G520D, G559D, G571D.
Identifiers: ClinVar variation 1709094 (VCV001709094.3), dbSNP rs2525433209, ClinGen allele CA341175433.